The following is an entry in ClinVar:

ClinVar aggregate classification (germline): Uncertain significance (1 of 4 stars; one submission).

Conditions:
Cardiovascular phenotype. Identifiers: MedGen CN230736.

Submission:

Ambry Genetics
Classification: Uncertain significance for Cardiovascular phenotype. Last evaluated: 2024-10-27. Review status: criteria provided, single submitter. Criteria: Ambry Variant Classification Scheme 2023. Collection method: clinical testing. Allele origin: germline.
Comment: The p.K190Q variant (also known as c.568A>C), located in coding exon 1 of the MYPN gene, results from an A to C substitution at nucleotide position 568. The lysine at codon 190 is replaced by glutamine, an amino acid with similar properties. This amino acid position is conserved. In addition, this alteration is predicted to be tolerated by in silico analysis. Based on the available evidence, the clinical significance of this variant remains unclear.

NM_032578.4(MYPN):c.568A>C (p.Lys190Gln)

Gene: MYPN (myopalladin; plus strand). Cytogenetic location: 10q21.3.
Variant type: single nucleotide variant.
Coding change: c.568A>C on transcript NM_032578.4 (MANE Select); coding-DNA position 568, A replaced by C.
Protein change: p.Lys190Gln; replaces lysine 190 with glutamine.
Molecular consequence: missense variant. On other transcripts: 5 prime UTR variant (1), non-coding transcript variant (1).
Genome position (GRCh38, 1-based): chr10:68,122,006, A>C. VCF-style: chr10-68122006-A-C. GRCh37 (hg19) VCF-style: chr10-69881763-A-C.
Other names: c.568A>C, p.Lys190Gln (NM_001256267.2); c.-555A>C (NM_001256268.2); short protein forms K190Q.
Identifiers: ClinVar variation 3402077 (VCV003402077.1).